The following is an entry in ClinVar:

NM_000051.4(ATM):c.5320-13C>T

Gene: ATM (ATM serine/threonine kinase; plus strand). Cytogenetic location: 11q22.3.
Variant type: single nucleotide variant.
Coding change: c.5320-13C>T on transcript NM_000051.4 (MANE Select); 13 bases into the intron before coding-DNA position 5320, C replaced by T.
Molecular consequence: intron variant.
Genome position (GRCh38, 1-based): chr11:108,302,840, C>T. VCF-style: chr11-108302840-C-T. GRCh37 (hg19) VCF-style: chr11-108173567-C-T.
Other names: c.5320-13C>T (NM_001351834.2).
Identifiers: ClinVar variation 631298 (VCV000631298.9), dbSNP rs1565478723, ClinGen allele CA913188449.

ClinVar aggregate classification (germline): Likely benign. Review status: criteria provided, multiple submitters, no conflicts (2 of 4 stars). 3 submissions from 3 submitters: Likely benign (3). Last evaluated 2025-06-04.

Conditions:
Hereditary cancer-predisposing syndrome. Also called: Hereditary Cancer Syndrome; Neoplastic Syndromes, Hereditary; Tumor predisposition; Hereditary neoplastic syndrome. Identifiers: Orphanet 140162, MedGen C0027672, MeSH D009386, MONDO:0015356.
Familial cancer of breast. Also called: BREAST CANCER, FAMILIAL; hereditary breast carcinoma; Hereditary breast cancer. Identifiers: Orphanet 227535, MedGen C0346153, MONDO:0016419, OMIM 114480. Disease mechanism: loss of function.
Ataxia-telangiectasia syndrome (AT). Also called: Ataxia-telangiectasia, complementation group D; AT, COMPLEMENTATION GROUP C; Ataxia-telangiectasia; ATAXIA-TELANGIECTASIA, COMPLEMENTATION GROUP A; ATAXIA-TELANGIECTASIA, FRESNO VARIANT; LOUIS-BAR SYNDROME. Identifiers: Orphanet 100, MedGen C0004135, MONDO:0008840, OMIM 208900.

Submissions (3):

Labcorp Genetics (formerly Invitae), Labcorp
Classification: Likely benign for Ataxia-telangiectasia syndrome. Last evaluated: 2025-06-04. Review status: criteria provided, single submitter. Criteria: Invitae Variant Classification Sherloc (09022015). Collection method: clinical testing. Allele origin: germline.

Myriad Genetics, Inc.
Classification: Likely benign for Familial cancer of breast. Last evaluated: 2024-05-23. Review status: criteria provided, single submitter. Criteria: Myriad Autosomal Dominant, Autosomal Recessive and X-Linked Classification Criteria (2023). Collection method: clinical testing. Allele origin: unknown.
Comment: This variant is considered likely benign. This variant is intronic and is not expected to impact mRNA splicing.

Color Diagnostics, LLC DBA Color Health
Classification: Likely benign for Hereditary cancer-predisposing syndrome. Last evaluated: 2018-02-06. Review status: criteria provided, single submitter. Criteria: ACMG Guidelines, 2015. Collection method: clinical testing. Allele origin: germline.